The following is an entry in ClinVar:

ClinVar aggregate classification (germline): Uncertain significance (1 of 4 stars; one submission).

Conditions:
Focal segmental glomerulosclerosis 5 (FSGS5). Identifiers: Orphanet 656, MedGen C2750475, MONDO:0013191, OMIM 613237.
Charcot-Marie-Tooth disease dominant intermediate E. Also called: CHARCOT-MARIE-TOOTH NEUROPATHY WITH FOCAL SEGMENTAL GLOMERULONEPHRITIS. Identifiers: Orphanet 93114, MedGen C4302667, MONDO:0013758, OMIM 614455.

Allele frequency attached by ClinVar (database versions not stated): gnomAD exomes 0.00001; ExAC 0.00002.

Submission:

Labcorp Genetics (formerly Invitae), Labcorp
Classification: Uncertain significance for Charcot-Marie-Tooth disease dominant intermediate E; Focal segmental glomerulosclerosis 5. Last evaluated: 2020-10-30. Review status: criteria provided, single submitter. Criteria: Invitae Variant Classification Sherloc (09022015). Collection method: clinical testing. Allele origin: germline.
Comment: This sequence change replaces leucine with valine at codon 236 of the INF2 protein (p.Leu236Val). The leucine residue is moderately conserved and there is a small physicochemical difference between leucine and valine. This variant is present in population databases (rs774921607, ExAC 0.003%). In summary, the available evidence is currently insufficient to determine the role of this variant in disease. Therefore, it has been classified as a Variant of Uncertain Significance. Algorithms developed to predict the effect of missense changes on protein structure and function are either unavailable or do not agree on the potential impact of this missense change (SIFT: "Tolerated"; PolyPhen-2: "Possibly Damaging"; Align-GVGD: "Class C0"). This variant has not been reported in the literature in individuals with INF2-related conditions.

NM_022489.4(INF2):c.706C>G (p.Leu236Val)

Gene: INF2 (inverted formin 2; plus strand). Cytogenetic location: 14q32.33.
Variant type: single nucleotide variant.
Coding change: c.706C>G on transcript NM_022489.4 (MANE Select); coding-DNA position 706, C replaced by G.
Protein change: p.Leu236Val; replaces leucine 236 with valine.
Molecular consequence: missense variant.
Genome position (GRCh38, 1-based): chr14:104,706,039, C>G. VCF-style: chr14-104706039-C-G. GRCh37 (hg19) VCF-style: chr14-105172376-C-G.
Other names: c.706C>G, p.Leu236Val (NM_001031714.4); short protein forms L236V.
Identifiers: ClinVar variation 1044408 (VCV001044408.8), dbSNP rs774921607, ClinGen allele CA7372407.
Genomic context (GRCh38, chr14:104,706,039, plus strand): 5'-CCTGCGTGTTGGTGGTGGCAGCAGCAGGCTTAGCCCACCTGGCCCCTCCTGCACAGAGAC[C>G]TGGAGGATGCCGACCTGCTGATCCAGCTGGAGGCTTTCGAGGAGGCTAAGGCCGAGGACG-3'
Protein context (NP_071934.3, residues 226-246): LLDVLARLRD[Leu236Val]EDADLLIQLE